The following is an entry in ClinVar:

NM_173791.5(PDZD8):c.948G>A (p.Trp316Ter)

Gene: PDZD8 (PDZ domain containing 8; minus strand). Cytogenetic location: 10q26.11.
Variant type: single nucleotide variant.
Coding change: c.948G>A on transcript NM_173791.5 (MANE Select); coding-DNA position 948, G replaced by A.
Protein change: p.Trp316Ter; replaces tryptophan 316 with a stop codon.
Molecular consequence: nonsense.
Genome position (GRCh38, 1-based): chr10:117,341,027, C>T on the plus strand (G>A on the coding strand, the complement: PDZD8 is on the minus strand). VCF-style: chr10-117341027-C-T. GRCh37 (hg19) VCF-style: chr10-119100538-C-T.
Other names: short protein forms W316*.
Identifiers: ClinVar variation 4879503 (VCV004879503.1).

ClinVar aggregate classification (germline): Uncertain significance (1 of 4 stars; one submission).

Submission:

Clinical Genomics Laboratory, Washington University in St. Louis
Classification: Uncertain significance. Last evaluated: 2026-04-01. Review status: criteria provided, single submitter. Criteria: ACMG Guidelines, 2015. Collection method: clinical testing. Allele origin: germline.
Comment: The PDZD8 c.948G>A (p.Trp316*) variant, to our knowledge, has not been reported in the medical literature and is absent from the general population (gnomAD v4.1.0), indicating it is not a common variant. This variant causes a premature termination codon, which is predicted to lead to nonsense-mediated decay. Due to limited information, the clinical significance of this variant is uncertain.